The following is an entry in ClinVar:

NM_000277.3(PAH):c.451G>C (p.Asp151His)

Gene: PAH (phenylalanine hydroxylase; minus strand). Cytogenetic location: 12q23.2.
Variant type: single nucleotide variant.
Coding change: c.451G>C on transcript NM_000277.3 (MANE Select); coding-DNA position 451, G replaced by C.
Protein change: p.Asp151His; replaces aspartic acid 151 with histidine.
Molecular consequence: missense variant.
Genome position (GRCh38, 1-based): chr12:102,866,654, C>G on the plus strand (G>C on the coding strand, the complement: PAH is on the minus strand). VCF-style: chr12-102866654-C-G. GRCh37 (hg19) VCF-style: chr12-103260432-C-G.
Other names: NM_000277.3(PAH):c.451G>C; c.451G>C, p.Asp151His (NM_001354304.2); short protein forms D151H.
Identifiers: ClinVar variation 102682 (VCV000102682.2), dbSNP rs199475597, ClinGen allele CA229553.
Genomic context (GRCh38, chr12:102,866,654, plus strand): 5'-ACTGGCGGTAGTTGTAGGCAATGTCAGCAAACTGCTTCCGTCTTGCACGGTACACAGGAT[C>G]TTTAAAACCCTAGGAGAAAAGAGACACCTGATTTTTCAAGGCTTCATAGGAAGAGGTCTG-3'
Protein context (NP_000268.1, residues 141-161): ELDADHPGFK[Asp151His]PVYRARRKQF

ClinVar aggregate classification (germline): Likely pathogenic. Review status: reviewed by expert panel (3 of 4 stars). 2 submissions from 2 submitters: Likely pathogenic (1). 1 of the submissions does not count toward it. Last evaluated 2024-11-17.

Conditions:
Phenylketonuria (PKU). Also called: Phenylketonuria (PKU); FOLLING DISEASE; OLIGOPHRENIA PHENYLPYRUVICA; Phenylketonurias. Identifiers: Orphanet 716, MedGen C0031485, MONDO:0009861, OMIM 261600. Disease mechanism: loss of function.

Submissions (2):

ClinGen PAH Variant Curation Expert Panel
Classification: Likely pathogenic for Phenylketonuria. Last evaluated: 2024-11-17. Review status: reviewed by expert panel. Criteria: ClinGen PAH ACMG Specifications v1. Collection method: curation. Allele origin: germline. Inheritance: Autosomal recessive inheritance.
Comment: The c.451G>C (p.Asp151His) variant in PAH is reported in a phenylketonuria cohort of the British Isles (PMID: 9012412). This variant is absent in population databases. Multiple lines of computational evidence support a deleterious effect (REVEL=0.977). Another missense variant [c.452A>G (p.Asp151Gly)] in the same codon has been classified as likely pathogenic for phenylketonuria by the ClinGen Phenylketonuria Variant Curation Expert Panel (PM5_Supporting). In summary, this variant meets criteria to be classified as likely pathogenic for PAH. PAH-specific ACMG/AMP criteria applied: PM2_supporting, PP3_strong, PM5_supporting.

DeBelle Laboratory for Biochemical Genetics, MUHC/MCH RESEARCH INSTITUTE
No classification provided. Review status: no classification provided. Collection method: not provided. Allele origin: not provided. Not counted in ClinVar's aggregate classification.